The following is an entry in ClinVar:

ClinVar aggregate classification (germline): Pathogenic/Likely pathogenic. Review status: criteria provided, multiple submitters, no conflicts (2 of 4 stars). 2 submissions from 2 submitters: Pathogenic (1); Likely pathogenic (1). Last evaluated 2025-09-04.

Conditions:
VPS13A-related neurodegenerative disease. Also called: ACANTHOCYTOSIS WITH NEUROLOGIC DISORDER; LEVINE-CRITCHLEY SYNDROME; Choreoacanthocytosis; Chorea-acanthocytosis; VPS13A Disease; Choreaacanthocytosis. Identifiers: Orphanet 2388, MedGen C0393576, MONDO:0008695, OMIM 200150.

gnomAD v4.1: 1 of 1,603,662 alleles (0.000062%); highest among the groups gnomAD compares: Non-Finnish European, 0.000085%; no homozygotes.

Submissions (2):

Natera, Inc.
Classification: Likely pathogenic for Choreaacanthocytosis. Last evaluated: 2025-09-04. Review status: criteria provided, single submitter. Criteria: Natera Variant Classification Schema (03/2026). Collection method: clinical testing. Allele origin: germline.
Comment: The c.1549G>T variant in VPS13A is a nonsense variant predicted to introduce a stop codon at amino acid 517. This variant is expected to result in nonsense mediated decay, truncation, or a dysfunctional protein product. This variant is rare in the general population with a frequency below the threshold expected for the associated phenotype(s). Given the available evidence, this variant is classified as Likely Pathogenic.

Myriad Genetics, Inc.
Classification: Pathogenic for VPS13A-related neurodegenerative disease. Last evaluated: 2024-05-14. Review status: criteria provided, single submitter. Criteria: Myriad Autosomal Dominant, Autosomal Recessive and X-Linked Classification Criteria (2023). Collection method: clinical testing. Allele origin: unknown.
Comment: NM_033305.2(VPS13A):c.1549G>T(E517*) is expected to be pathogenic in the context of VPS13A disease. This variant is predicted to lead to an abnormal or absent protein product due to the creation of a premature termination codon in VPS13A, a gene where loss-of-function variants are known to be pathogenic. Please note: this variant was assessed in the context of healthy population screening.

NM_033305.3(VPS13A):c.1549G>T (p.Glu517Ter)

Gene: VPS13A (vacuolar protein sorting 13 homolog A; plus strand). Cytogenetic location: 9q21.2.
Variant type: single nucleotide variant.
Coding change: c.1549G>T on transcript NM_033305.3 (MANE Select); coding-DNA position 1549, G replaced by T.
Protein change: p.Glu517Ter; replaces glutamic acid 517 with a stop codon.
Molecular consequence: nonsense.
Genome position (GRCh38, 1-based): chr9:77,228,218, G>T. VCF-style: chr9-77228218-G-T. GRCh37 (hg19) VCF-style: chr9-79843134-G-T.
Other names: c.1549G>T, p.Glu517Ter (NM_001018037.2, NM_001018038.3, NM_015186.4); short protein forms E517*.
Identifiers: ClinVar variation 4816380 (VCV004816380.2).